The following is an entry in ClinVar:

ClinVar aggregate classification (germline): Uncertain significance (1 of 4 stars; one submission).

Submission:

Labcorp Genetics (formerly Invitae), Labcorp
Classification: Uncertain significance. Last evaluated: 2022-10-25. Review status: criteria provided, single submitter. Criteria: Invitae Variant Classification Sherloc (09022015). Collection method: clinical testing. Allele origin: germline.
Comment: This variant has not been reported in the literature in individuals affected with IL18BP-related conditions. In summary, the available evidence is currently insufficient to determine the role of this variant in disease. Therefore, it has been classified as a Variant of Uncertain Significance. This variant is not present in population databases (gnomAD no frequency). This sequence change affects codon 36 of the IL18BP mRNA. It is a 'silent' change, meaning that it does not change the encoded amino acid sequence of the IL18BP protein.

NM_001039660.2(IL18BP):c.108C>G (p.Thr36=)

Gene: IL18BP (interleukin 18 binding protein; plus strand). Cytogenetic location: 11q13.4.
Variant type: single nucleotide variant.
Coding change: c.108C>G on transcript NM_001039660.2 (MANE Select); coding-DNA position 108, C replaced by G.
Protein change: p.Thr36=; no amino-acid change (threonine 36 retained).
Molecular consequence: synonymous variant.
Genome position (GRCh38, 1-based): chr11:72,000,430, C>G. VCF-style: chr11-72000430-C-G. GRCh37 (hg19) VCF-style: chr11-71711476-C-G.
Other names: c.108C>G, p.Thr36= (NM_001039659.2, NM_001145055.1, NM_001145057.1 and 3 more transcripts).
Identifiers: ClinVar variation 2007867 (VCV002007867.4), dbSNP rs2495828009, ClinGen allele CA475582860.